The following is an entry in ClinVar:

ClinVar aggregate classification (germline): Conflicting classifications of pathogenicity. Review status: criteria provided, conflicting classifications (1 of 4 stars). 9 submissions from 9 submitters: Uncertain significance (7); Likely benign (2). Last evaluated 2026-04-23.

Conditions:
TTN-related disorder. Also called: TTN-related condition; TTN-related disease; TTN-related disorders.
Cardiovascular phenotype. Identifiers: MedGen CN230736.
Dilated cardiomyopathy 1G (CMD1G). Identifiers: Orphanet 154, MedGen C1858763, MONDO:0011400, OMIM 604145.
Autosomal recessive limb-girdle muscular dystrophy type 2J (LGMDR10). Also called: Limb-girdle muscular dystrophy, type 2J; MUSCULAR DYSTROPHY, LIMB-GIRDLE, AUTOSOMAL RECESSIVE 10. Identifiers: Orphanet 140922, MedGen C1837342, MONDO:0012127, OMIM 608807.
Hypertrophic cardiomyopathy 9. Also called: Familial hypertrophic cardiomyopathy 9. Identifiers: MedGen C1861065, MONDO:0013412, OMIM 613765.

Allele frequency attached by ClinVar (database versions not stated): gnomAD exomes 0.00002; ExAC 0.00004; gnomAD 0.00005; ESP Exome Variant Server 0.00008; TOPMed 0.00008.
gnomAD v4.1: 82 of 1,613,386 alleles (0.0051%); highest among the groups gnomAD compares: South Asian, 0.0077%; no homozygotes.

Submissions (9):

PreventionGenetics, part of Exact Sciences
Classification: Uncertain significance for TTN-related condition. Last evaluated: 2026-04-23. Review status: criteria provided, single submitter. Criteria: ACMG Guidelines, 2015. Collection method: clinical testing. Allele origin: germline.
Comment: The TTN c.71699G>A variant is predicted to result in the amino acid substitution p.Arg23900Gln. To our knowledge, this variant has not been reported in the literature. This variant is reported in 0.0083% of alleles in individuals of African descent in gnomAD. At this time, the clinical significance of this variant is uncertain due to the absence of conclusive functional and genetic evidence.

Molecular Diagnostic Laboratory for Inherited Cardiovascular Disease, Montreal Heart Institute
Classification: Likely benign. Last evaluated: 2026-03-27. Review status: criteria provided, single submitter. Criteria: ACMG Guidelines, 2015. Collection method: clinical testing. Allele origin: germline. Affected: no.

Blueprint Genetics
Classification: Likely benign. Last evaluated: 2022-09-27. Review status: criteria provided, single submitter. Criteria: ACMG Guidelines, 2015. Collection method: clinical testing. Allele origin: germline.

Revvity Omics, Revvity
Classification: Uncertain significance. Last evaluated: 2022-08-18. Review status: criteria provided, single submitter. Criteria: ACMG Guidelines, 2015. Collection method: clinical testing. Allele origin: germline.

New York Genome Center
Classification: Uncertain significance for Hypertrophic cardiomyopathy 9; Dilated cardiomyopathy 1G. Last evaluated: 2021-12-10. Review status: criteria provided, single submitter. Criteria: NYGC Assertion Criteria 2020. Collection method: clinical testing. Allele origin: germline. Observed: 1 heterozygote.
Comment: The c.71699G>A (p.Arg23900Gln) variant identified in the TTN gene substitutes a well conserved Arginine for Glutamine at amino acid 23900/35992(coding exon 326/364) in transcript NM_001267550. This variant is found with low frequency in gnomAD(v3.1.2)(8 heterozygotes, 0 homozygotes; allele frequency:5.26e-5) suggesting it is not a common benign variant in the populations represented in that database. In silico algorithms predict this variant to be Damaging (SIFT;score:0.00) and Pathogenic (REVEL; score:0.6119) to the function of the canonical transcript. This variant is reported as a Variant of Uncertain Significance in ClinVar(VarID:498625), and to our current knowledge has not been reported in an affected individual in the literature. The p.Arg23900 residue is within the A-Band of TTN. Given the lack of compelling evidence for its pathogenicity, the c.71699G>A (p.Arg23900Gln) variant identified in the TTN gene is reported as a Variant of Uncertain Significance.

GeneDx
Classification: Uncertain significance. Last evaluated: 2021-04-02. Review status: criteria provided, single submitter. Criteria: GeneDx Variant Classification Process June 2021. Collection method: clinical testing. Allele origin: germline. Affected: yes.
Comment: In silico analysis, which includes splice predictors and evolutionary conservation, suggests this variant may impact gene splicing. In the absence of RNA/functional studies, the actual effect of this sequence change is unknown.; Has not been previously published as pathogenic or benign to our knowledge

Ambry Genetics
Classification: Uncertain significance for Cardiovascular phenotype. Last evaluated: 2018-08-15. Review status: criteria provided, single submitter. Criteria: Ambry Variant Classification Scheme 2023. Collection method: clinical testing. Allele origin: germline.
Comment: The p.R14835Q variant (also known as c.44504G>A), located in coding exon 153 of the TTN gene, results from a G to A substitution at nucleotide position 44504. The arginine at codon 14835 is replaced by glutamine, an amino acid with highly similar properties. This amino acid position is highly conserved in available vertebrate species. In addition, the in silico prediction for this alteration is inconclusive. Since supporting evidence is limited at this time, the clinical significance of this alteration remains unclear.

Labcorp Genetics (formerly Invitae), Labcorp
Classification: Uncertain significance for Dilated cardiomyopathy 1G; Autosomal recessive limb-girdle muscular dystrophy type 2J. Last evaluated: 2018-01-06. Review status: criteria provided, single submitter. Criteria: Invitae Variant Classification Sherloc (09022015). Collection method: clinical testing. Allele origin: germline.

Eurofins Ntd Llc (ga)
Classification: Uncertain significance. Last evaluated: 2017-06-21. Review status: criteria provided, single submitter. Criteria: EGL Classification Definitions 2015. Collection method: clinical testing. Allele origin: germline. Observed: 3 variant alleles, 3 heterozygotes.

NM_001267550.2(TTN):c.71699G>A (p.Arg23900Gln)

Genes: TTN (titin; minus strand), TTN-AS1 (TTN antisense RNA 1; plus strand). Cytogenetic location: 2q31.2.
Variant type: single nucleotide variant.
Coding change: c.71699G>A on transcript NM_001267550.2 (MANE Select); coding-DNA position 71699, G replaced by A.
Protein change: p.Arg23900Gln; replaces arginine 23900 with glutamine.
Molecular consequence: missense variant.
Genome position (GRCh38, 1-based): chr2:178,574,433, C>T on the plus strand (G>A on the coding strand, the complement: TTN is on the minus strand). VCF-style: chr2-178574433-C-T. GRCh37 (hg19) VCF-style: chr2-179439160-C-T.
Other names: c.66776G>A, p.Arg22259Gln (NM_001256850.1); c.44504G>A, p.Arg14835Gln (NM_003319.4); c.63995G>A, p.Arg21332Gln (NM_133378.4); c.44879G>A, p.Arg14960Gln (NM_133432.3); c.45080G>A, p.Arg15027Gln (NM_133437.4); short protein forms R21332Q, R23900Q, R14960Q, R22259Q, R14835Q, R15027Q.
Identifiers: ClinVar variation 498625 (VCV000498625.18), dbSNP rs369292052, ClinGen allele CA1990599.